The following is an entry in ClinVar:

NM_170606.3(KMT2C):c.8488A>C (p.Asn2830His)

Gene: KMT2C (lysine methyltransferase 2C; minus strand). Cytogenetic location: 7q36.1.
Variant type: single nucleotide variant.
Coding change: c.8488A>C on transcript NM_170606.3 (MANE Select); coding-DNA position 8488, A replaced by C.
Protein change: p.Asn2830His; replaces asparagine 2830 with histidine.
Molecular consequence: missense variant.
Genome position (GRCh38, 1-based): chr7:152,176,965, T>G on the plus strand (A>C on the coding strand, the complement: KMT2C is on the minus strand). VCF-style: chr7-152176965-T-G. GRCh37 (hg19) VCF-style: chr7-151874050-T-G.
Other names: c.8488A>C (NM_170606.2); short protein forms N2830H.
Identifiers: ClinVar variation 134772 (VCV000134772.34), dbSNP rs147851738, ClinGen allele CA160715.
Genomic context (GRCh38, chr7:152,176,965, plus strand): 5'-CAACATTATCTTTATTCTCATCATTTTTTTCAGTTTCACATTTGGATTCCACCTTAGAAT[T>G]TGGAGACAGTACTTCCGTTTTTACCTCATTGGTAACAGTGGATTTTTTCTGTGGTGAATG-3'
Protein context (NP_733751.2, residues 2820-2840): NEVKTEVLSP[Asn2830His]SKVESKCETE

ClinVar aggregate classification (germline): Benign/Likely benign. Review status: criteria provided, multiple submitters, no conflicts (2 of 4 stars). 6 submissions from 6 submitters: Benign (2); Likely benign (2). 2 of the submissions do not count toward it. Last evaluated 2026-01-12.

Conditions:
KMT2C-related disorder. Also called: KMT2C-related condition; KMT2C-related disorders.

Allele frequency attached by ClinVar (database versions not stated): 1000 Genomes Project 30x 0.00016; 1000 Genomes Project 0.00020; gnomAD 0.00048; ESP Exome Variant Server 0.00069.
gnomAD v4.1: 828 of 1,614,166 alleles (0.051%); highest among the groups gnomAD compares: Middle Eastern, 0.15%; no homozygotes.

Submissions (6):

Labcorp Genetics (formerly Invitae), Labcorp
Classification: Benign. Last evaluated: 2026-01-12. Review status: criteria provided, single submitter. Criteria: Invitae Variant Classification Sherloc (09022015). Collection method: clinical testing. Allele origin: germline.

Blueprint Genetics
Classification: Likely benign. Last evaluated: 2024-11-27. Review status: criteria provided, single submitter. Criteria: ACMG Guidelines, 2015. Collection method: clinical testing. Allele origin: germline.

CeGaT Center for Human Genetics Tuebingen
Classification: Likely benign. Last evaluated: 2024-02-01. Review status: criteria provided, single submitter. Criteria: CeGaT Center For Human Genetics Tuebingen Variant Classification Criteria Version 2. Collection method: clinical testing. Allele origin: germline. Affected: yes. Observed: 4 variant alleles.
Comment: KMT2C: BP4

Breakthrough Genomics
Classification: Benign. Review status: criteria provided, single submitter. Criteria: ACMG Guidelines, 2015. Collection method: not provided. Allele origin: germline. Inheritance: Autosomal dominant inheritance. Affected: yes.

PreventionGenetics, part of Exact Sciences
Classification: Likely benign for KMT2C-related condition. Last evaluated: 2022-02-14. Review status: no assertion criteria provided. Collection method: clinical testing. Allele origin: germline. Not counted in ClinVar's aggregate classification.
Comment: This variant is classified as likely benign based on ACMG/AMP sequence variant interpretation guidelines (Richards et al. 2015 PMID: 25741868, with internal and published modifications).

ITMI
No classification provided. Condition: AllHighlyPenetrant. Last evaluated: 2013-09-19. Review status: no classification provided. Collection method: reference population. Allele origin: germline. Not counted in ClinVar's aggregate classification.
Comment: Please see associated publication for description of ethnicities

Literature cited by the submitters: PubMed 24728327 (cited by ITMI).